The following is an entry in ClinVar:

NM_001020658.2(PUM1):c.299G>T (p.Gly100Val)

Gene: PUM1 (pumilio RNA binding family member 1; minus strand). Cytogenetic location: 1p35.2.
Variant type: single nucleotide variant.
Coding change: c.299G>T on transcript NM_001020658.2 (MANE Select); coding-DNA position 299, G replaced by T.
Protein change: p.Gly100Val; replaces glycine 100 with valine.
Molecular consequence: missense variant.
Genome position (GRCh38, 1-based): chr1:31,059,268, C>A on the plus strand (G>T on the coding strand, the complement: PUM1 is on the minus strand). VCF-style: chr1-31059268-C-A. GRCh37 (hg19) VCF-style: chr1-31532115-C-A.
Other names: c.299G>T, p.Gly100Val (NM_014676.3); short protein forms G100V.
Identifiers: ClinVar variation 2628443 (VCV002628443.2), dbSNP rs374458597, ClinGen allele CA20123745.
Genomic context (GRCh38, chr1:31,059,268, plus strand): 5'-TGTTCTGCATGAATGTTATCCCCAGTAGGCCATCGATGTTTGCTATTATTATAGCCGCCT[C>A]CTCCACTTCCTCCTCCCCCAAGCTGCTCACCATGCTGCCTCTGAAAGAAGTAGTCCACCA-3'
Protein context (NP_001018494.1, residues 90-110): GEQLGGGGSG[Gly100Val]GGYNNSKHRW

ClinVar aggregate classification (germline): Uncertain significance. Review status: criteria provided, multiple submitters, no conflicts (2 of 4 stars). 2 submissions from 2 submitters: Uncertain significance (2). Last evaluated 2025-04-02.

Conditions:
PUM1-related disorder. Also called: PUM1-related condition; PUM1-related disorders.

Allele frequency attached by ClinVar (database versions not stated): gnomAD exomes below 0.00001; gnomAD 0.00004; TOPMed 0.00004; ESP Exome Variant Server 0.00008.
gnomAD v4.1: 8 of 1,613,606 alleles (0.0005%); highest among the groups gnomAD compares: African/African-American, 0.011%; no homozygotes.

Submissions (2):

GeneDx
Classification: Uncertain significance. Last evaluated: 2025-04-02. Review status: criteria provided, single submitter. Criteria: GeneDx Variant Classification Process June 2021. Collection method: clinical testing. Allele origin: germline. Affected: yes.
Comment: Not observed at significant frequency in large population cohorts (gnomAD); In silico analysis indicates that this missense variant does not alter protein structure/function; Has not been previously published as pathogenic or benign to our knowledge

PreventionGenetics, part of Exact Sciences
Classification: Uncertain significance for PUM1-related condition. Last evaluated: 2023-08-14. Review status: criteria provided, single submitter. Criteria: ACMG Guidelines, 2015. Collection method: clinical testing. Allele origin: germline.
Comment: The PUM1 c.299G>T variant is predicted to result in the amino acid substitution p.Gly100Val. To our knowledge, this variant has not been reported in the literature or in a large population database, indicating this variant is rare. At this time, the clinical significance of this variant is uncertain due to the absence of conclusive functional and genetic evidence.